The following is an entry in ClinVar:

NM_000051.4(ATM):c.970A>C (p.Ser324Arg)

Gene: ATM (ATM serine/threonine kinase; plus strand). Cytogenetic location: 11q22.3.
Variant type: single nucleotide variant.
Coding change: c.970A>C on transcript NM_000051.4 (MANE Select); coding-DNA position 970, A replaced by C.
Protein change: p.Ser324Arg; replaces serine 324 with arginine.
Molecular consequence: missense variant.
Genome position (GRCh38, 1-based): chr11:108,247,032, A>C. VCF-style: chr11-108247032-A-C. GRCh37 (hg19) VCF-style: chr11-108117759-A-C.
Other names: c.970A>C, p.Ser324Arg (NM_001351834.2); short protein forms S324R.
Identifiers: ClinVar variation 1767929 (VCV001767929.2), dbSNP rs2135266552, ClinGen allele CA382531030.

ClinVar aggregate classification (germline): Uncertain significance (1 of 4 stars; one submission).

Conditions:
Hereditary cancer-predisposing syndrome. Also called: Hereditary Cancer Syndrome; Hereditary neoplastic syndrome; Neoplastic Syndromes, Hereditary; Tumor predisposition. Identifiers: Orphanet 140162, MedGen C0027672, MeSH D009386, MONDO:0015356.

Submission:

Ambry Genetics
Classification: Uncertain significance for Hereditary cancer-predisposing syndrome. Last evaluated: 2016-01-04. Review status: criteria provided, single submitter. Criteria: Ambry Variant Classification Scheme 2023. Collection method: clinical testing. Allele origin: germline.
Comment: The p.S324R variant (also known as c.970A>C), located in coding exon 7 of the ATM gene, results from an A to C substitution at nucleotide position 970. The serine at codon 324 is replaced by arginine, an amino acid with dissimilar properties. This variant was not reported in population based cohorts in the following databases: Database of Single Nucleotide Polymorphisms (dbSNP), NHLBI Exome Sequencing Project (ESP), and 1000 Genomes Project. In the ESP, this variant was not observed in 6499 samples (12998 alleles) with coverage at this position. This amino acid position is not well conserved in available vertebrate species. To date, this alteration has been detected with an allele frequency of approximately 0.001% (greater than 125000 alleles tested) in our clinical cohort. In addition, this alteration is predicted to be tolerated by in silico analysis. Since supporting evidence is limited at this time, the clinical significance of p.S324R remains unclear.